The following is an entry in ClinVar:

NM_001089.3(ABCA3):c.1702A>G (p.Asn568Asp)

Gene: ABCA3 (ATP binding cassette subfamily A member 3; minus strand). Cytogenetic location: 16p13.3.
Variant type: single nucleotide variant.
Coding change: c.1702A>G on transcript NM_001089.3 (MANE Select); coding-DNA position 1702, A replaced by G.
Protein change: p.Asn568Asp; replaces asparagine 568 with aspartic acid.
Molecular consequence: missense variant.
Genome position (GRCh38, 1-based): chr16:2,299,442, T>C on the plus strand (A>G on the coding strand, the complement: ABCA3 is on the minus strand). VCF-style: chr16-2299442-T-C. GRCh37 (hg19) VCF-style: chr16-2349443-T-C.
Other names: short protein forms N568D.
Identifiers: ClinVar variation 8015 (VCV000008015.2), dbSNP rs121909184, ClinGen allele CA119217.

ClinVar aggregate classification (germline): Uncertain significance. Review status: criteria provided, single submitter (1 of 4 stars). 2 submissions from 2 submitters: Uncertain significance (1). 1 of the submissions does not count toward it. Last evaluated 2025-09-26.

Conditions:
Interstitial lung disease due to ABCA3 deficiency. Also called: PULMONARY ALVEOLAR PROTEINOSIS, CONGENITAL, 3. Identifiers: Orphanet 440402, MedGen C1970456, MONDO:0012582, OMIM 610921.

Submissions (2):

Myriad Genetics, Inc.
Classification: Uncertain significance for Interstitial lung disease due to ABCA3 deficiency. Last evaluated: 2025-09-26. Review status: criteria provided, single submitter. Criteria: Myriad Autosomal Dominant, Autosomal Recessive and X-Linked Classification Criteria (2023). Collection method: clinical testing. Allele origin: unknown.
Comment: NM_001089.2(ABCA3):c.1702A>G(N568D) is a missense variant classified as a variant of uncertain significance in the context of surfactant deficiency, ABCA3-related. N568D has been observed in a case with relevant disease (PMID: 24871971). Relevant functional assessments of this variant are available in the literature (PMID: 31210424, 34936540, 16959783). N568D has not been observed in referenced population frequency databases. In summary, there is insufficient evidence to classify NM_001089.2(ABCA3):c.1702A>G(N568D) as pathogenic or benign. Please note: this variant was assessed in the context of healthy population screening.

OMIM
Classification: Pathogenic for SURFACTANT METABOLISM DYSFUNCTION, PULMONARY, 3. Last evaluated: 2004-03-25. Review status: no assertion criteria provided. Collection method: literature only. Allele origin: germline. Not counted in ClinVar's aggregate classification.

Literature cited by the submitters: PubMed 16959783 (cited by Myriad Genetics, Inc.); PubMed 24871971 (cited by Myriad Genetics, Inc.); PubMed 31210424 (cited by Myriad Genetics, Inc.); PubMed 34936540 (cited by Myriad Genetics, Inc.); PubMed 15044640 (cited by OMIM).